The following is an entry in ClinVar:

NM_001384125.1(BLTP1):c.2772A>C (p.Thr924=)

Gene: BLTP1 (bridge-like lipid transfer protein family member 1; plus strand). Cytogenetic location: 4q27.
Variant type: single nucleotide variant.
Coding change: c.2772A>C on transcript NM_001384125.1 (MANE Select); coding-DNA position 2772, A replaced by C.
Protein change: p.Thr924=; no amino-acid change (threonine 924 retained).
Molecular consequence: synonymous variant.
Genome position (GRCh38, 1-based): chr4:122,224,656, A>C. VCF-style: chr4-122224656-A-C. GRCh37 (hg19) VCF-style: chr4-123145811-A-C.
Other names: c.2772A>C, p.Thr924= (NM_015312.4).
Identifiers: ClinVar variation 3030783 (VCV003030783.3), dbSNP rs2476794816, ClinGen allele CA440923527.

ClinVar aggregate classification (germline): Likely benign. Review status: criteria provided, single submitter (1 of 4 stars). 2 submissions from 2 submitters: Likely benign (1). 1 of the submissions does not count toward it. Last evaluated 2024-11-14.

Conditions:
BLTP1-related disorder. Also called: BLTP1-related condition.

Allele frequency attached by ClinVar (database versions not stated): gnomAD exomes below 0.00001.
gnomAD v4.1: 1 of 1,614,054 alleles (0.000062%); highest among the groups gnomAD compares: Non-Finnish European, 0.000085%; no homozygotes.

Submissions (2):

Blueprint Genetics
Classification: Likely benign. Last evaluated: 2024-11-14. Review status: criteria provided, single submitter. Criteria: ACMG Guidelines, 2015. Collection method: clinical testing. Allele origin: germline.

PreventionGenetics, part of Exact Sciences
Classification: Likely benign for BLTP1-related condition. Last evaluated: 2022-12-09. Review status: no assertion criteria provided. Collection method: clinical testing. Allele origin: germline. Not counted in ClinVar's aggregate classification.
Comment: This variant is classified as likely benign based on ACMG/AMP sequence variant interpretation guidelines (Richards et al. 2015 PMID: 25741868, with internal and published modifications).